The following is an entry in ClinVar:

NC_000010.10:g.(?_88598623)_(88635852_?)del

Gene: BMPR1A (bone morphogenetic protein receptor type 1A; plus strand). Cytogenetic location: 10q23.2.
Variant type: Deletion.
Identifiers: ClinVar variation 1076984 (VCV001076984.9).

ClinVar aggregate classification (germline): Pathogenic (1 of 4 stars; one submission).

Conditions:
Juvenile polyposis syndrome (JPS). Identifiers: Orphanet 2929, MedGen C0345893, MONDO:0017380, OMIM 174900.

Submission:

Labcorp Genetics (formerly Invitae), Labcorp
Classification: Pathogenic for Juvenile polyposis syndrome. Last evaluated: 2020-06-22. Review status: criteria provided, single submitter. Criteria: Invitae Variant Classification Sherloc (09022015). Collection method: clinical testing. Allele origin: germline.
Comment: For these reasons, this variant has been classified as Pathogenic. Loss-of-function variants in BMPR1A are known to be pathogenic (PMID: 11536076, 12417513). This variant has not been reported in the literature in individuals with BMPR1A-related conditions. This variant is a gross deletion of the genomic region encompassing non-coding exon 2 and coding exon 3 of the BMPR1A gene, which includes the initiator codon. The 5' end of this event is likely confined to intron 1 of the BMPR1A gene. The 3' boundary is likely confined to intron 3 of the BMPR1A gene. This is expected to result in an absent or disrupted protein product.

Literature cited by the submitters: PubMed 11536076; PubMed 12417513.